The following is an entry in ClinVar:

ClinVar aggregate classification (germline): Uncertain significance. Review status: criteria provided, multiple submitters, no conflicts (2 of 4 stars). 2 submissions from 2 submitters: Uncertain significance (2). Last evaluated 2026-03-09.

Conditions:
Cone-rod dystrophy 6 (CORD6). Also called: Cone dystrophy progressive; RETINAL CONE DYSTROPHY 2. Identifiers: Orphanet 1872, MedGen C1866293, MONDO:0011143, OMIM 601777.
Leber congenital amaurosis 1 (LCA1). Also called: AMAUROSIS CONGENITA OF LEBER I; RETINAL BLINDNESS, CONGENITAL; Congenital absence of the rods and cones; Leber's congenital tapetoretinal degeneration; Leber's congenital tapetoretinal dysplasia. Identifiers: Orphanet 65, MedGen C2931258, MONDO:0008764, OMIM 204000.
Inborn genetic diseases. Identifiers: MedGen C0950123, MeSH D030342.

gnomAD v4.1: 3 of 1,608,088 alleles (0.00019%); highest among the groups gnomAD compares: African/African-American, 0.004%; no homozygotes.

Submissions (2):

Ambry Genetics
Classification: Uncertain significance for Inborn genetic diseases. Last evaluated: 2026-03-09. Review status: criteria provided, single submitter. Criteria: Ambry Variant Classification Scheme 2023. Collection method: clinical testing. Allele origin: germline.

Labcorp Genetics (formerly Invitae), Labcorp
Classification: Uncertain significance for Leber congenital amaurosis 1; Cone-rod dystrophy 6. Last evaluated: 2025-07-21. Review status: criteria provided, single submitter. Criteria: Invitae Variant Classification Sherloc (09022015). Collection method: clinical testing. Allele origin: germline.
Comment: This sequence change replaces alanine, which is neutral and non-polar, with threonine, which is neutral and polar, at codon 385 of the GUCY2D protein (p.Ala385Thr). This variant is not present in population databases (gnomAD no frequency). This variant has not been reported in the literature in individuals affected with GUCY2D-related conditions. Invitae Evidence Modeling of protein sequence and biophysical properties (such as structural, functional, and spatial information, amino acid conservation, physicochemical variation, residue mobility, and thermodynamic stability) indicates that this missense variant is not expected to disrupt GUCY2D protein function with a negative predictive value of 80%. In summary, the available evidence is currently insufficient to determine the role of this variant in disease. Therefore, it has been classified as a Variant of Uncertain Significance.

NM_000180.4(GUCY2D):c.1153G>A (p.Ala385Thr)

Gene: GUCY2D (guanylate cyclase 2D, retinal; plus strand). Cytogenetic location: 17p13.1.
Variant type: single nucleotide variant.
Coding change: c.1153G>A on transcript NM_000180.4 (MANE Select); coding-DNA position 1153, G replaced by A.
Protein change: p.Ala385Thr; replaces alanine 385 with threonine.
Molecular consequence: missense variant.
Genome position (GRCh38, 1-based): chr17:8,006,489, G>A. VCF-style: chr17-8006489-G-A. GRCh37 (hg19) VCF-style: chr17-7909807-G-A.
Other names: c.1153G>A (NM_000180.3); short protein forms A385T.
Identifiers: ClinVar variation 4792383 (VCV004792383.2).